The following is an entry in ClinVar:

NM_001830.4(CLCN4):c.1298C>T (p.Pro433Leu)

Gene: CLCN4 (Cl-/H+ antiporter 4; plus strand). Cytogenetic location: Xp22.2.
Variant type: single nucleotide variant.
Coding change: c.1298C>T on transcript NM_001830.4 (MANE Select); coding-DNA position 1298, C replaced by T.
Protein change: p.Pro433Leu; replaces proline 433 with leucine.
Molecular consequence: missense variant.
Genome position (GRCh38, 1-based): chrX:10,208,499, C>T. VCF-style: chrX-10208499-C-T. GRCh37 (hg19) VCF-style: chrX-10176539-C-T.
Other names: c.1016C>T, p.Pro339Leu (NM_001256944.2); short protein forms P339L, P433L.
Identifiers: ClinVar variation 850971 (VCV000850971.10), dbSNP rs896091874, ClinGen allele CA326600925.

ClinVar aggregate classification (germline): Uncertain significance. Review status: criteria provided, multiple submitters, no conflicts (2 of 4 stars). 2 submissions from 2 submitters: Uncertain significance (2). Last evaluated 2023-04-03.

Allele frequency attached by ClinVar (database versions not stated): gnomAD exomes below 0.00001; TOPMed 0.00002.
gnomAD v4.1: 2 of 1,211,050 alleles (0.00017%); highest among the groups gnomAD compares: Middle Eastern, 0.023%; no homozygotes.

Submissions (2):

GeneDx
Classification: Uncertain significance. Last evaluated: 2023-04-03. Review status: criteria provided, single submitter. Criteria: GeneDx Variant Classification Process June 2021. Collection method: clinical testing. Allele origin: germline. Affected: yes.
Comment: Not observed at significant frequency in large population cohorts (gnomAD); In silico analysis supports that this missense variant has a deleterious effect on protein structure/function; Has not been previously published as pathogenic or benign to our knowledge

Labcorp Genetics (formerly Invitae), Labcorp
Classification: Uncertain significance. Last evaluated: 2019-12-05. Review status: criteria provided, single submitter. Criteria: Invitae Variant Classification Sherloc (09022015). Collection method: clinical testing. Allele origin: germline.
Comment: This variant has been observed in individual(s) with clinical features of early infantile epileptic encephalopathy (Invitae). This variant is not present in population databases (ExAC no frequency). This sequence change replaces proline with leucine at codon 433 of the CLCN4 protein (p.Pro433Leu). The proline residue is moderately conserved and there is a moderate physicochemical difference between proline and leucine. Algorithms developed to predict the effect of missense changes on protein structure and function (SIFT, PolyPhen-2, Align-GVGD) all suggest that this variant is likely to be tolerated, but these predictions have not been confirmed by published functional studies and their clinical significance is uncertain. In summary, the available evidence is currently insufficient to determine the role of this variant in disease. Therefore, it has been classified as a Variant of Uncertain Significance.